The following is an entry in ClinVar:

NM_001164508.2(NEB):c.22351C>T (p.Gln7451Ter)

Genes: NEB (nebulin; minus strand), RIF1 (replication timing regulatory factor 1; plus strand). Cytogenetic location: 2q23.3.
Variant type: single nucleotide variant.
Coding change: c.22351C>T on transcript NM_001164508.2 (MANE Select); coding-DNA position 22351, C replaced by T.
Protein change: p.Gln7451Ter; replaces glutamine 7451 with a stop codon.
Molecular consequence: nonsense.
Genome position (GRCh38, 1-based): chr2:151,524,538, G>A on the plus strand (C>T on the coding strand, the complement: NEB is on the minus strand). VCF-style: chr2-151524538-G-A. GRCh37 (hg19) VCF-style: chr2-152381052-G-A.
Other names: c.22351C>T, p.Gln7451Ter (NM_001164507.2); c.22456C>T, p.Gln7486Ter (NM_001271208.2); c.17248C>T, p.Gln5750Ter (NM_004543.5); short protein forms Q5750*, Q7451*, Q7486*.
Identifiers: ClinVar variation 2791706 (VCV002791706.3), dbSNP rs2084197089, ClinGen allele CA348764976.

ClinVar aggregate classification (germline): Pathogenic (1 of 4 stars; one submission).

Conditions:
Nemaline myopathy 2 (NEM2). Also called: Nemaline myopathy 2, autosomal recessive. Identifiers: MedGen C1850569, MONDO:0009725, OMIM 256030.

Allele frequency attached by ClinVar (database versions not stated): gnomAD 0.00001.
gnomAD v4.1: 1 of 1,613,456 alleles (0.000062%); highest among the groups gnomAD compares: African/African-American, 0.0013%; no homozygotes.

Submission:

Labcorp Genetics (formerly Invitae), Labcorp
Classification: Pathogenic for Nemaline myopathy 2. Last evaluated: 2024-03-18. Review status: criteria provided, single submitter. Criteria: Invitae Variant Classification Sherloc (09022015). Collection method: clinical testing. Allele origin: germline.
Comment: This sequence change creates a premature translational stop signal (p.Gln7486*) in the NEB gene. It is expected to result in an absent or disrupted protein product. Loss-of-function variants in NEB are known to be pathogenic (PMID: 25205138). This variant is not present in population databases (gnomAD no frequency). This variant has not been reported in the literature in individuals affected with NEB-related conditions. For these reasons, this variant has been classified as Pathogenic.

Literature cited by the submitters: PubMed 25205138.